The following is an entry in ClinVar:

ClinVar aggregate classification (germline): Uncertain significance. Review status: criteria provided, multiple submitters, no conflicts (2 of 4 stars). 2 submissions from 2 submitters: Uncertain significance (2). Last evaluated 2025-05-28.

Conditions:
Ehlers-Danlos syndrome, dermatosparaxis type. Also called: Dermatosparaxis; Ehlers-Danlos syndrome, type VII, autosomal recessive; EDS VIIC. Identifiers: Orphanet 1901, MedGen C2700425, MONDO:0009161, OMIM 225410.

Allele frequency attached by ClinVar (database versions not stated): gnomAD exomes below 0.00001; TOPMed below 0.00001.
gnomAD v4.1: 2 of 1,611,244 alleles (0.00012%); highest among the groups gnomAD compares: Non-Finnish European, 0.00017%; no homozygotes.

Submissions (2):

GeneDx
Classification: Uncertain significance. Last evaluated: 2025-05-28. Review status: criteria provided, single submitter. Criteria: GeneDx Variant Classification Process June 2021. Collection method: clinical testing. Allele origin: germline. Affected: yes.
Comment: Not observed at significant frequency in large population cohorts (gnomAD); In silico analysis supports that this missense variant has a deleterious effect on protein structure/function; Has not been previously published as pathogenic or benign to our knowledge

Labcorp Genetics (formerly Invitae), Labcorp
Classification: Uncertain significance for Ehlers-Danlos syndrome, dermatosparaxis type. Last evaluated: 2023-06-22. Review status: criteria provided, single submitter. Criteria: Invitae Variant Classification Sherloc (09022015). Collection method: clinical testing. Allele origin: germline.
Comment: This variant is not present in population databases (gnomAD no frequency). This variant has not been reported in the literature in individuals affected with ADAMTS2-related conditions. ClinVar contains an entry for this variant (Variation ID: 2198765). An algorithm developed to predict the effect of missense changes on protein structure and function (PolyPhen-2) suggests that this variant¬†is likely to be tolerated. In summary, the available evidence is currently insufficient to determine the role of this variant in disease. Therefore, it has been classified as a Variant of Uncertain Significance. This sequence change replaces glutamine, which is neutral and polar, with histidine, which is basic and polar, at codon 587 of the ADAMTS2 protein (p.Gln587His).

NM_014244.5(ADAMTS2):c.1761G>C (p.Gln587His)

Gene: ADAMTS2 (ADAM metallopeptidase with thrombospondin type 1 motif 2; minus strand). Cytogenetic location: 5q35.3.
Variant type: single nucleotide variant.
Coding change: c.1761G>C on transcript NM_014244.5 (MANE Select); coding-DNA position 1761, G replaced by C.
Protein change: p.Gln587His; replaces glutamine 587 with histidine.
Molecular consequence: missense variant.
Genome position (GRCh38, 1-based): chr5:179,139,904, C>G on the plus strand (G>C on the coding strand, the complement: ADAMTS2 is on the minus strand). VCF-style: chr5-179139904-C-G. GRCh37 (hg19) VCF-style: chr5-178566905-C-G.
Other names: c.1761G>C (NM_014244.4); short protein forms Q587H.
Identifiers: ClinVar variation 2198765 (VCV002198765.4), dbSNP rs1763131923, ClinGen allele CA362427804.
Genomic context (GRCh38, chr5:179,139,904, plus strand): 5'-CTCAGCTGCCACTCAGCAAGGCCAGGGGGACATGGGGCCAACTCACTGTGGGTTGTCACA[C>G]TGGCGGGTCCTGAACTTCACGCCCGTGCCACAGGTACGTGAGCAGGAGCCAAACGGACTC-3'
Protein context (NP_055059.2, residues 577-597): CGTGVKFRTR[Gln587His]CDNPHPANGG